The following is an entry in ClinVar:

ClinVar aggregate classification (germline): Uncertain significance (1 of 4 stars; one submission).

Conditions:
Cardiovascular phenotype. Identifiers: MedGen CN230736.

Allele frequency attached by ClinVar (database versions not stated): gnomAD 0.00003; TOPMed 0.00004; ExAC 0.00002.

Submission:

Ambry Genetics
Classification: Uncertain significance for Cardiovascular phenotype. Last evaluated: 2025-06-22. Review status: criteria provided, single submitter. Criteria: Ambry Variant Classification Scheme 2023. Collection method: clinical testing. Allele origin: germline.
Comment: The p.T264N variant (also known as c.791C>A), located in coding exon 3 of the APOA5 gene, results from a C to A substitution at nucleotide position 791. The threonine at codon 264 is replaced by asparagine, an amino acid with similar properties. This amino acid position is conserved. In addition, this alteration is predicted to be tolerated by in silico analysis. Since supporting evidence is limited at this time, the clinical significance of this alteration remains unclear.

NM_001371904.1(APOA5):c.791C>A (p.Thr264Asn)

Gene: APOA5 (apolipoprotein A5; minus strand). Cytogenetic location: 11q23.3.
Variant type: single nucleotide variant.
Coding change: c.791C>A on transcript NM_001371904.1 (MANE Select); coding-DNA position 791, C replaced by A.
Protein change: p.Thr264Asn; replaces threonine 264 with asparagine.
Molecular consequence: missense variant.
Genome position (GRCh38, 1-based): chr11:116,790,438, G>T on the plus strand (C>A on the coding strand, the complement: APOA5 is on the minus strand). VCF-style: chr11-116790438-G-T. GRCh37 (hg19) VCF-style: chr11-116661154-G-T.
Other names: c.791C>A, p.Thr264Asn (NM_001166598.2, NM_052968.5); short protein forms T264N.
Identifiers: ClinVar variation 1761212 (VCV001761212.3), dbSNP rs752705893, ClinGen allele CA6288993.